The following is an entry in ClinVar:

NM_000328.3(RPGR):c.2152T>C (p.Tyr718His)

Gene: RPGR (retinitis pigmentosa GTPase regulator; minus strand). Cytogenetic location: Xp11.4.
Variant type: single nucleotide variant.
Coding change: c.2152T>C on transcript NM_000328.3; coding-DNA position 2152, T replaced by C.
Protein change: p.Tyr718His; replaces tyrosine 718 with histidine.
Molecular consequence: missense variant. On other transcripts: non-coding transcript variant (6).
Genome position (GRCh38, 1-based): chrX:38,273,475, A>G on the plus strand (T>C on the coding strand, the complement: RPGR is on the minus strand). VCF-style: chrX-38273475-A-G. GRCh37 (hg19) VCF-style: chrX-38132728-A-G.
Other names: c.2149T>C, p.Tyr717His (NM_001367245.1); c.1966T>C, p.Tyr656His (NM_001367246.1); c.1819T>C, p.Tyr607His (NM_001367247.1); c.1849T>C, p.Tyr617His (NM_001367248.1); c.1816T>C, p.Tyr606His (NM_001367249.1, NM_001367250.1); c.1633T>C, p.Tyr545His (NM_001367251.1); short protein forms Y545H, Y606H, Y607H, Y617H, Y656H, Y717H, Y718H.
Identifiers: ClinVar variation 1050421 (VCV001050421.8), dbSNP rs762173989, ClinGen allele CA10385081.
Genomic context (GRCh38, chrX:38,273,475, plus strand): 5'-GTGTTGTTTCACTGTTTTCTAGGATTTCTAATGAACTGCTATCTGCATCATCAAGCATGT[A>G]TCCTACAATTGGATCATTCAGAAATACTAGTTTTAACTAATAGGAAAAAGACAAGACCTG-3'

ClinVar aggregate classification (germline): Conflicting classifications of pathogenicity. Review status: criteria provided, conflicting classifications (1 of 4 stars). 3 submissions from 3 submitters: Uncertain significance (1); Likely benign (1). 1 of the submissions does not count toward it. Last evaluated 2026-01-26.

Conditions:
Primary ciliary dyskinesia. Also called: Ciliary dyskinesia. Identifiers: Orphanet 244, MedGen C0008780, MONDO:0016575, HP:0012265.

Allele frequency attached by ClinVar (database versions not stated): gnomAD 0.00005; ExAC 0.00006; TOPMed 0.00002; gnomAD exomes 0.00004 and 0.00006.
gnomAD v4.1: 49 of 1,185,167 alleles (0.0041%); highest among the groups gnomAD compares: Middle Eastern, 0.047%; no homozygotes.

Submissions (3):

Labcorp Genetics (formerly Invitae), Labcorp
Classification: Uncertain significance for Primary ciliary dyskinesia. Last evaluated: 2026-01-26. Review status: criteria provided, single submitter. Criteria: Invitae Variant Classification Sherloc (09022015). Collection method: clinical testing. Allele origin: germline.
Comment: This sequence change replaces tyrosine, which is neutral and polar, with histidine, which is basic and polar, at codon 718 of the RPGR protein (p.Tyr718His). The frequency data for this variant in the population databases is considered unreliable, as metrics indicate poor data quality at this position in the gnomAD database. This variant has not been reported in the literature in individuals affected with RPGR-related conditions. ClinVar contains an entry for this variant (Variation ID: 1050421). An algorithm developed to predict the effect of missense changes on protein structure and function (PolyPhen-2) suggests that this variant is likely to be tolerated. In summary, the available evidence is currently insufficient to determine the role of this variant in disease. Therefore, it has been classified as a Variant of Uncertain Significance.

Ambry Genetics
Classification: Likely benign for Primary ciliary dyskinesia. Last evaluated: 2023-01-05. Review status: criteria provided, single submitter. Criteria: Ambry Variant Classification Scheme 2023. Collection method: clinical testing. Allele origin: germline.

Department of Pathology and Laboratory Medicine, Sinai Health System
Classification: Uncertain significance. Review status: no assertion criteria provided. Collection method: clinical testing. Allele origin: unknown. Affected: yes. Study: The Canadian Open Genetics Repository (COGR). Not counted in ClinVar's aggregate classification.
Comment: The RPGR p.Tyr718His variant was not identified in the literature nor was it identified in ClinVar or LOVD 3.0. The variant was identified in dbSNP (ID: rs762173989) and in Cosmic (somatically confirmed in tumour tissue from a lung carcinoma with a FATHMM prediction score of neutral). The variant was identified in control databases in 12 of 196672 chromosomes (1 hemizygous) at a frequency of 0.000061 (Genome Aggregation Database Feb 27, 2017). The variant was observed in the following populations: European (Finnish) in 6 of 17118 chromosomes (freq: 0.000351), European (non-Finnish) in 5 of 87856 chromosomes (freq: 0.000057) and Latino in 1 of 27564 chromosomes (freq: 0.000036); it was not observed in the African, Ashkenazi Jewish, East Asian, Other, and South Asian populations. The p.Tyr718 residue is not conserved in mammals and computational analyses (PolyPhen-2, SIFT, AlignGVGD, BLOSUM, MutationTaster) do not suggest a high likelihood of impact to the protein; however, this information is not predictive enough to rule out pathogenicity. The p.Tyr718His variant occurs in the third base of the exon; this position has been shown to be part of the splicing consensus sequence and variants involving this position sometimes affect splicing. However, in silico or computational prediction software programs (SpliceSiteFinder, MaxEntScan, NNSPLICE, GeneSplicer) do not predict a difference in splicing. In summary, based on the above information the clinical significance of this variant cannot be determined with certainty at this time. This variant is classified as a variant of uncertain significance.